The following is an entry in ClinVar:

NM_001164508.2(NEB):c.11601+2T>A

Gene: NEB (nebulin; minus strand). Cytogenetic location: 2q23.3.
Variant type: single nucleotide variant.
Coding change: c.11601+2T>A on transcript NM_001164508.2 (MANE Select); the canonical splice donor site of the intron after coding-DNA position 11601, T replaced by A.
Molecular consequence: splice donor variant.
Genome position (GRCh38, 1-based): chr2:151,614,274, A>T on the plus strand (T>A on the coding strand, the complement: NEB is on the minus strand). VCF-style: chr2-151614274-A-T. GRCh37 (hg19) VCF-style: chr2-152470788-A-T.
Other names: c.10872+2T>A (NM_004543.5); c.11601+2T>A (NM_001164507.2, NM_001271208.2).
Identifiers: ClinVar variation 4733374 (VCV004733374.1).

ClinVar aggregate classification (germline): Likely pathogenic (1 of 4 stars; one submission).

Conditions:
Nemaline myopathy 2 (NEM2). Also called: Nemaline myopathy 2, autosomal recessive. Identifiers: MedGen C1850569, MONDO:0009725, OMIM 256030.

Submission:

Labcorp Genetics (formerly Invitae), Labcorp
Classification: Likely pathogenic for Nemaline myopathy 2. Last evaluated: 2025-12-16. Review status: criteria provided, single submitter. Criteria: Invitae Variant Classification Sherloc (09022015). Collection method: clinical testing. Allele origin: germline.
Comment: This sequence change affects a donor splice site in intron 77 of the NEB gene. It is expected to disrupt RNA splicing. Variants that disrupt the donor or acceptor splice site typically lead to a loss of protein function (PMID: 16199547), and loss-of-function variants in NEB are known to be pathogenic (PMID: 25205138). This variant is not present in population databases (gnomAD no frequency). This variant has not been reported in the literature in individuals affected with NEB-related conditions. Algorithms developed to predict the effect of sequence changes on RNA splicing suggest that this variant may disrupt the consensus splice site. In summary, the currently available evidence indicates that the variant is pathogenic, but additional data are needed to prove that conclusively. Therefore, this variant has been classified as Likely Pathogenic.

Literature cited by the submitters: PubMed 16199547; PubMed 25205138.